The following is an entry in ClinVar:

ClinVar aggregate classification (germline): Uncertain significance (1 of 4 stars; one submission).

Submission:

Labcorp Genetics (formerly Invitae), Labcorp
Classification: Uncertain significance. Last evaluated: 2024-11-19. Review status: criteria provided, single submitter. Criteria: Invitae Variant Classification Sherloc (09022015). Collection method: clinical testing. Allele origin: germline.
Comment: This variant, c.3283_3285del, results in the deletion of 1 amino acid(s) of the DCHS1 protein (p.Ile1095del), but otherwise preserves the integrity of the reading frame. This variant is not present in population databases (gnomAD no frequency). This variant has not been reported in the literature in individuals affected with DCHS1-related conditions. Experimental studies and prediction algorithms are not available or were not evaluated, and the functional significance of this variant is currently unknown. In summary, the available evidence is currently insufficient to determine the role of this variant in disease. Therefore, it has been classified as a Variant of Uncertain Significance.

NM_003737.4(DCHS1):c.3283_3285del (p.Ile1095del)

Gene: DCHS1 (dachsous cadherin-related 1; minus strand). Cytogenetic location: 11p15.4.
Variant type: Deletion.
Coding change: c.3283_3285del on transcript NM_003737.4 (MANE Select); coding-DNA positions 3283 to 3285, 3 bases deleted (ATC; older notation c.3283_3285delATC).
Protein change: p.Ile1095del; deletes isoleucine 1095.
Genome position (GRCh38, 1-based): chr11:6,632,227-6,632,229, GAT deleted on the plus strand (ATC on the coding strand, the reverse complement: DCHS1 is on the minus strand); deleting any 3 consecutive bases within chr11:6,632,227-6,632,230 gives the same sequence; the c. name uses the placement nearest the transcript's 3' end. VCF-style (leftmost placement, unchanged base first): chr11-6632226-GGAT-G. GRCh37 (hg19) VCF-style: chr11-6653457-GGAT-G.
Other names: short protein forms I1095del.
Identifiers: ClinVar variation 3688702 (VCV003688702.2).
Genomic context (GRCh38, chr11:6,632,226, plus strand): 5'-CAGCCACAGCCAGGAAGGTGGGATCCTCAGACAAGCGGGGACTGTGTTCATTCTGGTTGA[GGAT>G]GCTGACCCTCACGGTGGCTGTGCCTGTCTGCTGCCCCAACTCAGCTTTGGACCCAGACAC-3'